The following is an entry in ClinVar:

ClinVar aggregate classification (germline): Uncertain significance (1 of 4 stars; one submission).

gnomAD v4.1: 11 of 1,613,658 alleles (0.00068%); highest among the groups gnomAD compares: South Asian, 0.0044%; no homozygotes.

Submission:

Labcorp Genetics (formerly Invitae), Labcorp
Classification: Uncertain significance. Last evaluated: 2026-01-21. Review status: criteria provided, single submitter. Criteria: Invitae Variant Classification Sherloc (09022015). Collection method: clinical testing. Allele origin: germline.
Comment: This sequence change replaces alanine, which is neutral and non-polar, with valine, which is neutral and non-polar, at codon 2237 of the ITPR1 protein (p.Ala2237Val). This variant is present in population databases (rs780806176, gnomAD 0.003%). This variant has not been reported in the literature in individuals affected with ITPR1-related conditions. Invitae Evidence Modeling of protein sequence and biophysical properties (such as structural, functional, and spatial information, amino acid conservation, physicochemical variation, residue mobility, and thermodynamic stability) has been performed for this missense variant. However, the output from this modeling did not meet the statistical confidence thresholds required to predict the impact of this variant on ITPR1 protein function. In summary, the available evidence is currently insufficient to determine the role of this variant in disease. Therefore, it has been classified as a Variant of Uncertain Significance.

NM_001378452.1(ITPR1):c.6899C>T (p.Ala2300Val)

Gene: ITPR1 (inositol 1,4,5-trisphosphate receptor type 1; plus strand). Cytogenetic location: 3p26.1.
Variant type: single nucleotide variant.
Coding change: c.6899C>T on transcript NM_001378452.1 (MANE Select); coding-DNA position 6899, C replaced by T.
Protein change: p.Ala2300Val; replaces alanine 2300 with valine.
Molecular consequence: missense variant.
Genome position (GRCh38, 1-based): chr3:4,795,155, C>T. VCF-style: chr3-4795155-C-T. GRCh37 (hg19) VCF-style: chr3-4836839-C-T.
Other names: c.6755C>T, p.Ala2252Val (NM_001099952.4); c.6854C>T, p.Ala2285Val (NM_001168272.2); c.6710C>T, p.Ala2237Val (NM_002222.7); short protein forms A2285V, A2252V, A2237V, A2300V.
Identifiers: ClinVar variation 4691068 (VCV004691068.1).